The following is an entry in ClinVar:

NM_001385.3(DPYS):c.817A>G (p.Ile273Val)

Gene: DPYS (dihydropyrimidinase; minus strand). Cytogenetic location: 8q22.3.
Variant type: single nucleotide variant.
Coding change: c.817A>G on transcript NM_001385.3 (MANE Select); coding-DNA position 817, A replaced by G.
Protein change: p.Ile273Val; replaces isoleucine 273 with valine.
Molecular consequence: missense variant.
Genome position (GRCh38, 1-based): chr8:104,429,678, T>C on the plus strand (A>G on the coding strand, the complement: DPYS is on the minus strand). VCF-style: chr8-104429678-T-C. GRCh37 (hg19) VCF-style: chr8-105441906-T-C.
Other names: short protein forms I273V.
Identifiers: ClinVar variation 361450 (VCV000361450.13), dbSNP rs201924473, ClinGen allele CA4838450.
Genomic context (GRCh38, chr8:104,429,678, plus strand): 5'-CTGCATGGTGCCATTCTTTATTCCAGTAGTGAGTGCCATCTGTGCCAAGACTGGCTGCTA[T>C]GGGTTCACCATAGACCACCTTCCCTGGAAAGATTAAAAGAAGCATTCATCACTTTAATTT-3'
Protein context (NP_001376.1, residues 263-283): RDGKVVYGEP[Ile273Val]AASLGTDGTH

ClinVar aggregate classification (germline): Uncertain significance. Review status: criteria provided, multiple submitters, no conflicts (2 of 4 stars). 5 submissions from 5 submitters: Uncertain significance (5). Last evaluated 2025-11-10.

Conditions:
Dihydropyrimidinase deficiency (DPYSD). Also called: DPH DEFICIENCY; DPYS DEFICIENCY; dihydropyrimidinuria. Identifiers: Orphanet 38874, MedGen C0342803, MONDO:0009111, OMIM 222748.
Inborn genetic diseases. Identifiers: MedGen C0950123, MeSH D030342.

Allele frequency attached by ClinVar (database versions not stated): TOPMed 0.00003; gnomAD exomes 0.00004 and 0.00005; gnomAD 0.00005; ExAC 0.00007.
gnomAD v4.1: 82 of 1,614,040 alleles (0.0051%); highest among the groups gnomAD compares: Non-Finnish European, 0.0064%; no homozygotes.

Submissions (5):

Labcorp Genetics (formerly Invitae), Labcorp
Classification: Uncertain significance. Last evaluated: 2025-11-10. Review status: criteria provided, single submitter. Criteria: Invitae Variant Classification Sherloc (09022015). Collection method: clinical testing. Allele origin: germline.
Comment: This sequence change replaces isoleucine, which is neutral and non-polar, with valine, which is neutral and non-polar, at codon 273 of the DPYS protein (p.Ile273Val). This variant is present in population databases (rs201924473, gnomAD 0.009%). This variant has not been reported in the literature in individuals affected with DPYS-related conditions. ClinVar contains an entry for this variant (Variation ID: 361450). Invitae Evidence Modeling of protein sequence and biophysical properties (such as structural, functional, and spatial information, amino acid conservation, physicochemical variation, residue mobility, and thermodynamic stability) indicates that this missense variant is not expected to disrupt DPYS protein function with a negative predictive value of 80%. In summary, the available evidence is currently insufficient to determine the role of this variant in disease. Therefore, it has been classified as a Variant of Uncertain Significance.

Blueprint Genetics
Classification: Uncertain significance. Last evaluated: 2024-09-11. Review status: criteria provided, single submitter. Criteria: ACMG Guidelines, 2015. Collection method: clinical testing. Allele origin: germline.

Ambry Genetics
Classification: Uncertain significance for Inborn genetic diseases. Last evaluated: 2024-02-02. Review status: criteria provided, single submitter. Criteria: Ambry Variant Classification Scheme 2023. Collection method: clinical testing. Allele origin: germline.

3billion
Classification: Uncertain significance for Dihydropyrimidinase deficiency. Last evaluated: 2022-01-03. Review status: criteria provided, single submitter. Criteria: ACMG Guidelines, 2015. Collection method: clinical testing. Allele origin: germline. Affected: yes. Observed: 1 heterozygote.
Comment: The variant is observed at an extremely low frequency in the gnomAD v2.1.1 dataset (total allele frequency: 0.000039, PM2_M). A missense variant is a common mechanism associated with Dihydropyrimidinuria (PP2_P). Therefore, this variant is classified as uncertain significance according to the recommendation of ACMG/AMP guideline.

Illumina Laboratory Services, Illumina
Classification: Uncertain significance for Dihydropyrimidinase deficiency. Last evaluated: 2018-01-13. Review status: criteria provided, single submitter. Criteria: ICSL Variant Classification Criteria 13 December 2019. Collection method: clinical testing. Allele origin: germline.